The following is an entry in ClinVar:

ClinVar aggregate classification (germline): Conflicting classifications of pathogenicity. Review status: criteria provided, conflicting classifications (1 of 4 stars). 2 submissions from 2 submitters: Uncertain significance (1); Likely benign (1). Last evaluated 2025-02-25.

Conditions:
Breast-ovarian cancer, familial, susceptibility to, 4. Identifiers: Orphanet 145, MedGen C3280345, MONDO:0013669, OMIM 614291.

Submissions (2):

Myriad Genetics, Inc.
Classification: Likely benign for Breast-ovarian cancer, familial, susceptibility to, 4. Last evaluated: 2025-02-25. Review status: criteria provided, single submitter. Criteria: Myriad Autosomal Dominant, Autosomal Recessive and X-Linked Classification Criteria (2023). Collection method: clinical testing. Allele origin: unknown.
Comment: This variant is considered likely benign. This variant is intronic and is not expected to impact mRNA splicing.

Labcorp Genetics (formerly Invitae), Labcorp
Classification: Uncertain significance for Breast-ovarian cancer, familial, susceptibility to, 4. Last evaluated: 2023-07-12. Review status: criteria provided, single submitter. Criteria: Invitae Variant Classification Sherloc (09022015). Collection method: clinical testing. Allele origin: germline.
Comment: In summary, the available evidence is currently insufficient to determine the role of this variant in disease. Therefore, it has been classified as a Variant of Uncertain Significance. Variants that disrupt the consensus splice site are a relatively common cause of aberrant splicing (PMID: 17576681, 9536098). Algorithms developed to predict the effect of sequence changes on RNA splicing suggest that this variant is not likely to affect RNA splicing. This variant has not been reported in the literature in individuals affected with RAD51D-related conditions. This variant is not present in population databases (gnomAD no frequency). This sequence change falls in intron 9 of the RAD51D gene. It does not directly change the encoded amino acid sequence of the RAD51D protein. It affects a nucleotide within the consensus splice site.

Literature cited by the submitters: PubMed 17576681 (cited by Labcorp Genetics (formerly Invitae), Labcorp); PubMed 9536098 (cited by Labcorp Genetics (formerly Invitae), Labcorp).

NM_002878.4(RAD51D):c.903+6C>T

Genes: RAD51D (RAD51 paralog D; minus strand), RAD51L3-RFFL (RAD51L3-RFFL readthrough; minus strand). Cytogenetic location: 17q12.
Variant type: single nucleotide variant.
Coding change: c.903+6C>T on transcript NM_002878.4 (MANE Select); 6 bases into the intron after coding-DNA position 903, C replaced by T.
Molecular consequence: intron variant.
Genome position (GRCh38, 1-based): chr17:35,101,195, G>A on the plus strand (C>T on the coding strand, the complement: RAD51D is on the minus strand). VCF-style: chr17-35101195-G-A. GRCh37 (hg19) VCF-style: chr17-33428214-G-A.
Other names: c.567+6C>T (NM_133629.3); c.963+6C>T (NM_001142571.2).
Identifiers: ClinVar variation 2742821 (VCV002742821.4), dbSNP rs2142410756, ClinGen allele CA2576231916.